The following is an entry in ClinVar:

ClinVar aggregate classification (germline): not provided (0 of 4 stars; one submission).

Conditions:
Hyperimmunoglobulin D with periodic fever (HIDS). Also called: HYPERIMMUNOGLOBULINEMIA D AND PERIODIC FEVER SYNDROME; Hyperimmunoglobulinemia D; Hyperimmunoglobulinemia D with periodic fever. Identifiers: Orphanet 343, MedGen C0398691, MONDO:0009849, OMIM 260920.

Submission:

Unité médicale des maladies autoinflammatoires, CHRU Montpellier
No classification provided. Condition: Hyperimmunoglobulin D with periodic fever. Review status: no classification provided. Collection method: not provided. Allele origin: unknown.
Comment: also involved in OMIM 25117

NM_000431.4(MVK):c.78+2del

Gene: MVK (mevalonate kinase; plus strand). Cytogenetic location: 12q24.11.
Variant type: Deletion.
Coding change: c.78+2del on transcript NM_000431.4 (MANE Select); the canonical splice donor site of the intron after coding-DNA position 78, one base deleted (T; older notation c.78+2delT).
Molecular consequence: splice donor variant. On other transcripts: intron variant (1).
Genome position (GRCh38, 1-based): chr12:109,574,902, T deleted. VCF-style (leftmost placement, unchanged base first): chr12-109574901-GT-G. GRCh37 (hg19) VCF-style: chr12-110012706-GT-G.
Other names: c.78+2del (NM_001414511.1, NM_001414512.1, NM_001414513.1 and 3 more transcripts); c.-505+1029del (NM_001414515.1).
Identifiers: ClinVar variation 97623 (VCV000097623.1), dbSNP rs104895378, ClinGen allele CA149897.